The following is an entry in ClinVar:

ClinVar aggregate classification (germline): Uncertain significance (1 of 4 stars; one submission).

Submission:

Labcorp Genetics (formerly Invitae), Labcorp
Classification: Uncertain significance. Last evaluated: 2022-05-20. Review status: criteria provided, single submitter. Criteria: Invitae Variant Classification Sherloc (09022015). Collection method: clinical testing. Allele origin: germline.
Comment: This variant has not been reported in the literature in individuals affected with TRIP4-related conditions. This variant is not present in population databases (gnomAD no frequency). This sequence change replaces leucine, which is neutral and non-polar, with methionine, which is neutral and non-polar, at codon 420 of the TRIP4 protein (p.Leu420Met). Algorithms developed to predict the effect of missense changes on protein structure and function output the following: SIFT: "Tolerated"; PolyPhen-2: "Benign"; Align-GVGD: "Class C0". The methionine amino acid residue is found in multiple mammalian species, which suggests that this missense change does not adversely affect protein function. In summary, the available evidence is currently insufficient to determine the role of this variant in disease. Therefore, it has been classified as a Variant of Uncertain Significance.

NM_016213.5(TRIP4):c.1258T>A (p.Leu420Met)

Gene: TRIP4 (thyroid hormone receptor interactor 4; plus strand). Cytogenetic location: 15q22.31.
Variant type: single nucleotide variant.
Coding change: c.1258T>A on transcript NM_016213.5 (MANE Select); coding-DNA position 1258, T replaced by A.
Protein change: p.Leu420Met; replaces leucine 420 with methionine.
Molecular consequence: missense variant. On other transcripts: non-coding transcript variant (1).
Genome position (GRCh38, 1-based): chr15:64,418,628, T>A. VCF-style: chr15-64418628-T-A. GRCh37 (hg19) VCF-style: chr15-64710827-T-A.
Other names: c.568T>A, p.Leu190Met (NM_001321924.2); short protein forms L190M, L420M.
Identifiers: ClinVar variation 1996629 (VCV001996629.4), dbSNP rs4776494, ClinGen allele CA392822942.